The following is an entry in ClinVar:

ClinVar aggregate classification (germline): Uncertain significance (1 of 4 stars; one submission).

gnomAD v4.1: 4 of 1,613,516 alleles (0.00025%); highest among the groups gnomAD compares: Non-Finnish European, 0.00034%; no homozygotes.

Submission:

Women's Health and Genetics/Laboratory Corporation of America, LabCorp
Classification: Uncertain significance. Last evaluated: 2025-06-17. Review status: criteria provided, single submitter. Criteria: LabCorp Variant Classification Summary - May 2015. Collection method: clinical testing. Allele origin: germline.
Comment: Variant summary: SMCHD1 c.2510T>C (p.Val837Ala) results in a non-conservative amino acid change in the encoded protein sequence. Algorithms developed to predict the effect of missense changes on protein structure and function are either unavailable or do not agree on the potential impact of this missense change. The variant allele was found at a frequency of 8e-06 in 248906 control chromosomes. The available data on variant occurrences in the general population are insufficient to allow any conclusion about variant significance. c.2510T>C has been observed in individual(s) affected with Facioscapulohumeral Muscular Dystrophy 2 (Krenn_2020). These report(s) do not provide unequivocal conclusions about association of the variant with Facioscapulohumeral Muscular Dystrophy 2. To our knowledge, no experimental evidence demonstrating an impact on protein function has been reported. The following publication have been ascertained in the context of this evaluation (PMID: 31407473). No submitters have cited clinical-significance assessments for this variant to ClinVar. Based on the evidence outlined above, the variant was classified as uncertain significance.

Literature cited by the submitters: PubMed 31407473.

NM_015295.3(SMCHD1):c.2510T>C (p.Val837Ala)

Gene: SMCHD1 (structural maintenance of chromosomes flexible hinge domain containing 1; plus strand). Cytogenetic location: 18p11.32.
Variant type: single nucleotide variant.
Coding change: c.2510T>C on transcript NM_015295.3 (MANE Select); coding-DNA position 2510, T replaced by C.
Protein change: p.Val837Ala; replaces valine 837 with alanine.
Molecular consequence: missense variant.
Genome position (GRCh38, 1-based): chr18:2,722,570, T>C. VCF-style: chr18-2722570-T-C. GRCh37 (hg19) VCF-style: chr18-2722568-T-C.
Other names: short protein forms V837A.
Identifiers: ClinVar variation 3907042 (VCV003907042.1).